The following is an entry in ClinVar:

ClinVar aggregate classification (germline): Uncertain significance. Review status: criteria provided, multiple submitters, no conflicts (2 of 4 stars). 2 submissions from 2 submitters: Uncertain significance (2). Last evaluated 2025-12-23.

gnomAD v4.1: 23 of 1,611,786 alleles (0.0014%); highest among the groups gnomAD compares: Non-Finnish European, 0.0019%; no homozygotes.

Submissions (2):

Labcorp Genetics (formerly Invitae), Labcorp
Classification: Uncertain significance. Last evaluated: 2025-12-23. Review status: criteria provided, single submitter. Criteria: Invitae Variant Classification Sherloc (09022015). Collection method: clinical testing. Allele origin: germline.
Comment: This sequence change replaces alanine, which is neutral and non-polar, with glycine, which is neutral and non-polar, at codon 631 of the FCHO1 protein (p.Ala631Gly). This variant is present in population databases (rs377307797, gnomAD 0.005%). This variant has not been reported in the literature in individuals affected with FCHO1-related conditions. An algorithm developed to predict the effect of missense changes on protein structure and function (PolyPhen-2) suggests that this variant is likely to be tolerated. In summary, the available evidence is currently insufficient to determine the role of this variant in disease. Therefore, it has been classified as a Variant of Uncertain Significance.

Blueprint Genetics
Classification: Uncertain significance. Last evaluated: 2024-03-23. Review status: criteria provided, single submitter. Criteria: ACMG Guidelines, 2015. Collection method: clinical testing. Allele origin: germline.

NM_015122.3(FCHO1):c.1892C>G (p.Ala631Gly)

Gene: FCHO1 (FCH and mu domain containing endocytic adaptor 1; plus strand). Cytogenetic location: 19p13.11.
Variant type: single nucleotide variant.
Coding change: c.1892C>G on transcript NM_015122.3 (MANE Select); coding-DNA position 1892, C replaced by G.
Protein change: p.Ala631Gly; replaces alanine 631 with glycine.
Molecular consequence: missense variant. On other transcripts: non-coding transcript variant (36).
Genome position (GRCh38, 1-based): chr19:17,781,775, C>G. VCF-style: chr19-17781775-C-G. GRCh37 (hg19) VCF-style: chr19-17892584-C-G.
Other names: c.1892C>G, p.Ala631Gly (NM_001161357.2, NM_001161358.2, NM_001384370.1 and 13 more transcripts); c.1742C>G, p.Ala581Gly (NM_001161359.2, NM_001384384.1, NM_001384385.1 and 1 more transcripts); c.1853C>G, p.Ala618Gly (NM_001384388.1, NM_001384389.1, NM_001384405.1); c.1817C>G, p.Ala606Gly (NM_001384390.1); c.1775C>G, p.Ala592Gly (NM_001384392.1, NM_001384393.1, NM_001384394.1 and 1 more transcripts); c.1616C>G, p.Ala539Gly (NM_001384396.1, NM_001384397.1, NM_001384398.1 and 5 more transcripts); c.1571C>G, p.Ala524Gly (NM_001384403.1); c.1466C>G, p.Ala489Gly (NM_001384406.1); and 1 more; short protein forms A489G, A539G, A592G, A606G, A581G, A618G, A631G, A441G.
Identifiers: ClinVar variation 4752742 (VCV004752742.2).